The following is an entry in ClinVar:

NM_020755.4(SERINC1):c.996C>T (p.Ser332=)

Gene: SERINC1 (serine incorporator 1; minus strand). Cytogenetic location: 6q22.31.
Variant type: single nucleotide variant.
Coding change: c.996C>T on transcript NM_020755.4 (MANE Select); coding-DNA position 996, C replaced by T.
Protein change: p.Ser332=; no amino-acid change (serine 332 retained).
Molecular consequence: synonymous variant.
Genome position (GRCh38, 1-based): chr6:122,447,004, G>A on the plus strand (C>T on the coding strand, the complement: SERINC1 is on the minus strand). VCF-style: chr6-122447004-G-A. GRCh37 (hg19) VCF-style: chr6-122768149-G-A.
Identifiers: ClinVar variation 2656893 (VCV002656893.24), dbSNP rs117943173, ClinGen allele CA3982405.

ClinVar aggregate classification (germline): Likely benign (1 of 4 stars; one submission).

Allele frequency attached by ClinVar (database versions not stated): 1000 Genomes Project 0.00359; 1000 Genomes Project 30x 0.00375; TOPMed 0.00579; gnomAD 0.00652; ExAC 0.00687; ESP Exome Variant Server 0.00730; gnomAD exomes 0.00944.
gnomAD v4.1: 14,691 of 1,602,040 alleles (0.92%); highest among the groups gnomAD compares: Non-Finnish European, 1.1%; 92 homozygotes.

Submission:

CeGaT Center for Human Genetics Tuebingen
Classification: Likely benign. Last evaluated: 2024-03-01. Review status: criteria provided, single submitter. Criteria: CeGaT Center For Human Genetics Tuebingen Variant Classification Criteria Version 2. Collection method: clinical testing. Allele origin: germline. Affected: yes. Observed: 2 variant alleles.
Comment: SERINC1: BP4, BP7, BS2